The following is an entry in ClinVar:

ClinVar aggregate classification (germline): Uncertain significance. Review status: criteria provided, single submitter (1 of 4 stars). 2 submissions from 2 submitters: Uncertain significance (1). 1 of the submissions does not count toward it. Last evaluated 2022-11-01.

Conditions:
METHEMOGLOBINEMIA, TYPE I. Identifiers: MedGen C2749559, OMIM 250800.

Allele frequency attached by ClinVar (database versions not stated): gnomAD exomes 0.00002 and 0.00003; TOPMed 0.00004; ExAC 0.00005; gnomAD 0.00005 and 0.00006; 1000 Genomes Project 30x 0.00016; 1000 Genomes Project 0.00020.
gnomAD v4.1: 43 of 1,613,470 alleles (0.0027%); highest among the groups gnomAD compares: Non-Finnish European, 0.0033%; no homozygotes.

Submissions (2):

Labcorp Genetics (formerly Invitae), Labcorp
Classification: Uncertain significance. Last evaluated: 2022-11-01. Review status: criteria provided, single submitter. Criteria: Invitae Variant Classification Sherloc (09022015). Collection method: clinical testing. Allele origin: germline.
Comment: Advanced modeling of protein sequence and biophysical properties (such as structural, functional, and spatial information, amino acid conservation, physicochemical variation, residue mobility, and thermodynamic stability) performed at Invitae indicates that this missense variant is not expected to disrupt CYB5R3 protein function. In summary, the available evidence is currently insufficient to determine the role of this variant in disease. Therefore, it has been classified as a Variant of Uncertain Significance. Experimental studies have shown that this missense change affects CYB5R3 function (PMID: 1400360). ClinVar contains an entry for this variant (Variation ID: 237). This variant is also known as Val105Met. This missense change has been observed in individual(s) with methemoglobinemia (PMID: 1400360, 3680497; Invitae). This variant is present in population databases (rs121965009, gnomAD 0.004%). This sequence change replaces valine, which is neutral and non-polar, with methionine, which is neutral and non-polar, at codon 106 of the CYB5R3 protein (p.Val106Met).

OMIM
Classification: Pathogenic for METHEMOGLOBINEMIA, TYPE I. Last evaluated: 2008-05-01. Review status: no assertion criteria provided. Collection method: literature only. Allele origin: germline. Not counted in ClinVar's aggregate classification.

Literature cited by the submitters: PubMed 1400360 (cited by Labcorp Genetics (formerly Invitae), Labcorp); PubMed 3680497 (cited by Labcorp Genetics (formerly Invitae), Labcorp); PubMed 18318771 (cited by OMIM); Shirabe, K. Personal Communication. 1997. Oita, Japan (cited by OMIM).

NM_000398.7(CYB5R3):c.316G>A (p.Val106Met)

Gene: CYB5R3 (cytochrome b5 reductase 3; minus strand). Cytogenetic location: 22q13.2.
Variant type: single nucleotide variant.
Coding change: c.316G>A on transcript NM_000398.7 (MANE Select); coding-DNA position 316, G replaced by A.
Protein change: p.Val106Met; replaces valine 106 with methionine.
Molecular consequence: missense variant.
Genome position (GRCh38, 1-based): chr22:42,630,899, C>T on the plus strand (G>A on the coding strand, the complement: CYB5R3 is on the minus strand). VCF-style: chr22-42630899-C-T. GRCh37 (hg19) VCF-style: chr22-43026905-C-T.
Other names: c.247G>A, p.Val83Met (NM_001129819.2, NM_001171661.1, NM_007326.4); c.415G>A, p.Val139Met (NM_001171660.2); short protein forms V106M, V83M, V139M.
Identifiers: ClinVar variation 237 (VCV000000237.10), dbSNP rs121965009, ClinGen allele CA114071.
Genomic context (GRCh38, chr22:42,630,899, plus strand): 5'-ACCCACCCACACCCCCTCCACAGTCATGACCCAGAGGCTTCACCTTGATGACCAGGTCCA[C>T]GAAGCCCTTGTCATCATCGCTGGAGATGGGTGTATAGGGCCGGACGACCAGGTTTCCATC-3'
Protein context (NP_000389.1, residues 96-116): PISSDDDKGF[Val106Met]DLVIKVYFKD